The following is an entry in ClinVar:

ClinVar aggregate classification (germline): Uncertain significance (1 of 4 stars; one submission).

Conditions:
Cardiomyopathy (CMYO). Also called: Cardiomyopathies. Identifiers: Orphanet 167848, MedGen C0878544, MONDO:0004994, HP:0001638. Inheritance: Various modes of inheritance.

Allele frequency attached by ClinVar (database versions not stated): ExAC 0.00001.
gnomAD v4.1: 1 of 1,614,108 alleles (0.000062%); highest among the groups gnomAD compares: Non-Finnish European, 0.000085%; no homozygotes.

Submission:

Color Diagnostics, LLC DBA Color Health
Classification: Uncertain significance for Cardiomyopathy. Last evaluated: 2022-04-19. Review status: criteria provided, single submitter. Criteria: ACMG Guidelines, 2015. Collection method: clinical testing. Allele origin: germline.
Comment: This missense variant replaces proline with threonine at codon 67 of the TNNT2 protein. Computational prediction is inconclusive regarding the impact of this variant on protein structure and function (internally defined REVEL score threshold 0.5 < inconclusive < 0.7, PMID: 27666373). To our knowledge, functional studies have not been reported for this variant. This variant has not been reported in individuals affected with cardiovascular disorders in the literature. This variant has been identified in 1/251452 chromosomes in the general population by the Genome Aggregation Database (gnomAD). The available evidence is insufficient to determine the role of this variant in disease conclusively. Therefore, this variant is classified as a Variant of Uncertain Significance.

NM_001276345.2(TNNT2):c.229C>A (p.Pro77Thr)

Gene: TNNT2 (troponin T2, cardiac type; minus strand). Cytogenetic location: 1q32.1.
Variant type: single nucleotide variant.
Coding change: c.229C>A on transcript NM_001276345.2 (MANE Select); coding-DNA position 229, C replaced by A.
Protein change: p.Pro77Thr; replaces proline 77 with threonine.
Molecular consequence: missense variant.
Genome position (GRCh38, 1-based): chr1:201,366,842, G>T on the plus strand (C>A on the coding strand, the complement: TNNT2 is on the minus strand). VCF-style: chr1-201366842-G-T. GRCh37 (hg19) VCF-style: chr1-201335970-G-T.
Other names: c.229C>A, p.Pro77Thr (NM_000364.4, NM_001406723.1); c.199C>A, p.Pro67Thr (NM_001001430.3, NM_001001431.3, NM_001276347.2 and 3 more transcripts); c.184C>A, p.Pro62Thr (NM_001001432.3, NM_001406728.1); c.226C>A, p.Pro76Thr (NM_001276346.2); c.196C>A, p.Pro66Thr (NM_001406725.1); short protein forms P66T, P67T, P76T, P77T, P62T.
Identifiers: ClinVar variation 2774640 (VCV002774640.2), dbSNP rs774702133, ClinGen allele CA088945.
Genomic context (GRCh38, chr1:201,366,842, plus strand): 5'-CATCCTCTCTCCCTGAGCCTCTGCTCCCGGCTCTACCCAGGTGCCTCCCCACTCACCTGG[G>T]CTTTGGTTTGGACTCCTCCATTGGGCCATCTGGAGGAGATAGAAGCACACAGCCATGGGT-3'
Protein context (NP_001263274.1, residues 67-87): DGPMEESKPK[Pro77Thr]RSFMPNLVPP